The following is an entry in ClinVar:

ClinVar aggregate classification (germline): Uncertain significance (1 of 4 stars; one submission).

Conditions:
Fanconi anemia (FA). Also called: Fanconi's anemia. Identifiers: Orphanet 84, MedGen C0015625, MeSH D005199, MONDO:0019391.

Allele frequency attached by ClinVar (database versions not stated): gnomAD exomes 0.00001; TOPMed 0.00001; ExAC 0.00001.

Submission:

Labcorp Genetics (formerly Invitae), Labcorp
Classification: Uncertain significance for Fanconi anemia. Last evaluated: 2022-08-08. Review status: criteria provided, single submitter. Criteria: Invitae Variant Classification Sherloc (09022015). Collection method: clinical testing. Allele origin: germline.
Comment: This sequence change replaces glutamine, which is neutral and polar, with arginine, which is basic and polar, at codon 188 of the FANCA protein (p.Gln188Arg). This variant is present in population databases (rs763736133, gnomAD 0.0009%). This variant has not been reported in the literature in individuals affected with FANCA-related conditions. ClinVar contains an entry for this variant (Variation ID: 1470344). Advanced modeling of protein sequence and biophysical properties (such as structural, functional, and spatial information, amino acid conservation, physicochemical variation, residue mobility, and thermodynamic stability) performed at Invitae indicates that this missense variant is not expected to disrupt FANCA protein function. In summary, the available evidence is currently insufficient to determine the role of this variant in disease. Therefore, it has been classified as a Variant of Uncertain Significance.

NM_000135.4(FANCA):c.563A>G (p.Gln188Arg)

Gene: FANCA (FA complementation group A; minus strand). Cytogenetic location: 16q24.3.
Variant type: single nucleotide variant.
Coding change: c.563A>G on transcript NM_000135.4 (MANE Select); coding-DNA position 563, A replaced by G.
Protein change: p.Gln188Arg; replaces glutamine 188 with arginine.
Molecular consequence: missense variant.
Genome position (GRCh38, 1-based): chr16:89,808,327, T>C on the plus strand (A>G on the coding strand, the complement: FANCA is on the minus strand). VCF-style: chr16-89808327-T-C. GRCh37 (hg19) VCF-style: chr16-89874735-T-C.
Other names: c.563A>G, p.Gln188Arg (NM_001018112.3, NM_001286167.3); c.467A>G, p.Gln156Arg (NM_001351830.2); short protein forms Q156R, Q188R.
Identifiers: ClinVar variation 1470344 (VCV001470344.3), dbSNP rs763736133, ClinGen allele CA8252931.
Genomic context (GRCh38, chr16:89,808,327, plus strand): 5'-AACACTGAATCATCATTAGCACGCTACCTTTCCAGCAGCTCTTGCAGGCTCACAATGCCT[T>C]GTACGTGAAGATGCCACACCGCTTCAAGCAACAAAGAACTCTGAAAAACAAAACAAAACA-3'
Protein context (NP_000126.2, residues 178-198): LLEAVWHLHV[Gln188Arg]GIVSLQELLE